The following is an entry in ClinVar:

ClinVar aggregate classification (germline): Uncertain significance. Review status: criteria provided, multiple submitters, no conflicts (2 of 4 stars). 3 submissions from 3 submitters: Uncertain significance (3). Last evaluated 2026-06-01.

Allele frequency attached by ClinVar (database versions not stated): gnomAD exomes below 0.00001; TOPMed below 0.00001; gnomAD 0.00001.
gnomAD v4.1: 6 of 1,613,932 alleles (0.00037%); highest among the groups gnomAD compares: Admixed American, 0.0033%; no homozygotes.

Submissions (3):

CeGaT Center for Human Genetics Tuebingen
Classification: Uncertain significance. Last evaluated: 2026-06-01. Review status: criteria provided, single submitter. Criteria: CeGaT Center For Human Genetics Tuebingen Variant Classification Criteria Version 2. Collection method: clinical testing. Allele origin: germline. Affected: yes. Observed: 1 variant allele.
Comment: C1S: PM2

Women's Health and Genetics/Laboratory Corporation of America, LabCorp
Classification: Uncertain significance. Last evaluated: 2025-12-24. Review status: criteria provided, single submitter. Criteria: LabCorp Variant Classification Summary - May 2015. Collection method: clinical testing. Allele origin: germline.
Comment: Variant summary: C1S c.470C>T (p.Ser157Phe) results in a non-conservative amino acid change in the encoded protein sequence. Algorithms developed to predict the effect of missense changes on protein structure and function all suggest that this variant is likely to be disruptive. The variant allele was found at a frequency of 8e-06 in 251472 control chromosomes. The available data on variant occurrences in the general population are insufficient to allow any conclusion about variant significance. c.470C>T has been observed in an individual affected with anxiety disorder (Olfson_2023). These report(s) do not provide unequivocal conclusions about association of the variant with Complement component C1s deficiency. To our knowledge, no experimental evidence demonstrating an impact on protein function has been reported. The following publication has been ascertained in the context of this evaluation (PMID: 35312124). ClinVar contains an entry for this variant (Variation ID: 3013467). Based on the evidence outlined above, the variant was classified as uncertain significance.

Labcorp Genetics (formerly Invitae), Labcorp
Classification: Uncertain significance. Last evaluated: 2023-09-01. Review status: criteria provided, single submitter. Criteria: Invitae Variant Classification Sherloc (09022015). Collection method: clinical testing. Allele origin: germline.
Comment: In summary, the available evidence is currently insufficient to determine the role of this variant in disease. Therefore, it has been classified as a Variant of Uncertain Significance. An algorithm developed to predict the effect of missense changes on protein structure and function (PolyPhen-2) suggests that this variant is likely to be disruptive. This variant has not been reported in the literature in individuals affected with C1S-related conditions. This variant is present in population databases (no rsID available, gnomAD 0.003%). This sequence change replaces serine, which is neutral and polar, with phenylalanine, which is neutral and non-polar, at codon 157 of the C1S protein (p.Ser157Phe).

Literature cited by the submitters: PubMed 35312124 (cited by Women's Health and Genetics/Laboratory Corporation of America, LabCorp).

NM_001734.5(C1S):c.470C>T (p.Ser157Phe)

Gene: C1S (complement C1s; plus strand). Cytogenetic location: 12p13.31.
Variant type: single nucleotide variant.
Coding change: c.470C>T on transcript NM_001734.5 (MANE Select); coding-DNA position 470, C replaced by T.
Protein change: p.Ser157Phe; replaces serine 157 with phenylalanine.
Molecular consequence: missense variant. On other transcripts: 5 prime UTR variant (1).
Genome position (GRCh38, 1-based): chr12:7,064,345, C>T. VCF-style: chr12-7064345-C-T. GRCh37 (hg19) VCF-style: chr12-7171649-C-T.
Other names: c.-32C>T (NM_001346850.2); c.470C>T, p.Ser157Phe (NM_201442.4); short protein forms S157F.
Identifiers: ClinVar variation 3013467 (VCV003013467.6), dbSNP rs1555161766, ClinGen allele CA383692554.